The following is an entry in ClinVar:

NM_004370.6(COL12A1):c.2340G>C (p.Glu780Asp)

Gene: COL12A1 (collagen type XII alpha 1 chain; minus strand). Cytogenetic location: 6q13.
Variant type: single nucleotide variant.
Coding change: c.2340G>C on transcript NM_004370.6 (MANE Select); coding-DNA position 2340, G replaced by C.
Protein change: p.Glu780Asp; replaces glutamic acid 780 with aspartic acid.
Molecular consequence: missense variant. On other transcripts: intron variant (2).
Genome position (GRCh38, 1-based): chr6:75,177,760, C>G on the plus strand (G>C on the coding strand, the complement: COL12A1 is on the minus strand). VCF-style: chr6-75177760-C-G. GRCh37 (hg19) VCF-style: chr6-75887476-C-G.
Other names: c.2340G>C, p.Glu780Asp (NM_001424113.1, NM_001424114.1, NM_001424115.1); c.73+24960G>C (NM_001424116.1, NM_080645.3); short protein forms E780D.
Identifiers: ClinVar variation 3365279 (VCV003365279.1).
Genomic context (GRCh38, chr6:75,177,760, plus strand): 5'-AGGTCCTGAGAAATATTCAGGAATTACAGATACTTCATATTTCGTGTCTGGAATCAAGTT[C>G]TCCAGTGTTCTCCTCCTCTGATTGGGTGGGGTGGTAACTTCTCTGCTCTCTCCACCAGCA-3'
Protein context (NP_004361.3, residues 770-790): TPPNQRRRTL[Glu780Asp]NLIPDTKYEV

ClinVar aggregate classification (germline): Uncertain significance (1 of 4 stars; one submission).

Submission:

GeneDx
Classification: Uncertain significance. Last evaluated: 2023-12-07. Review status: criteria provided, single submitter. Criteria: GeneDx Variant Classification Process June 2021. Collection method: clinical testing. Allele origin: germline. Affected: yes.
Comment: Not observed at significant frequency in large population cohorts (gnomAD); In silico analysis supports that this missense variant does not alter protein structure/function; Has not been previously published as pathogenic or benign to our knowledge